The following is an entry in ClinVar:

ClinVar aggregate classification (germline): Uncertain significance (1 of 4 stars; one submission).

Conditions:
PRMT9-associated neurodevelopmental disorder.

gnomAD v4.1: 1 of 1,613,620 alleles (0.000062%); highest among the groups gnomAD compares: Non-Finnish European, 0.000085%; no homozygotes.

Submission:

Institute of Human Genetics, University of Leipzig Medical Center
Classification: Uncertain significance for PRMT9-associated neurodevelopmental disorder. Last evaluated: 2025-10-02. Review status: criteria provided, single submitter. Criteria: ACMG Guidelines, 2015. Collection method: clinical testing. Allele origin: maternal. Inheritance: Autosomal recessive inheritance. Affected: yes.
Comment: Criteria applied: PM2,PM3

NM_138364.4(PRMT9):c.792A>C (p.Glu264Asp)

Gene: PRMT9 (protein arginine methyltransferase 9; minus strand). Cytogenetic location: 4q31.23.
Variant type: single nucleotide variant.
Coding change: c.792A>C on transcript NM_138364.4 (MANE Select); coding-DNA position 792, A replaced by C.
Protein change: p.Glu264Asp; replaces glutamic acid 264 with aspartic acid.
Molecular consequence: missense variant. On other transcripts: 5 prime UTR variant (1), intron variant (2).
Genome position (GRCh38, 1-based): chr4:147,670,695, T>G on the plus strand (A>C on the coding strand, the complement: PRMT9 is on the minus strand). VCF-style: chr4-147670695-T-G. GRCh37 (hg19) VCF-style: chr4-148591846-T-G.
Other names: c.453A>C, p.Glu151Asp (NM_001304458.2, NM_001350142.2); c.-124A>C (NM_001350143.2); c.-476-2050A>C (NM_001350144.2); c.-671-2050A>C (NM_001350141.2); short protein forms E151D, E264D.
Identifiers: ClinVar variation 4530585 (VCV004530585.1).
Genomic context (GRCh38, chr4:147,670,695, plus strand): 5'-GCTTACCTTTGGCTGTAAAAGTAAATGCTCCCATGCATGAATCAAACTCTCCACAATTCC[T>G]TCTCCAAATAAACCTGCATCGACAGTTTCTGTTACAACTAGGGACACTCTATAGAATGAT-3'
Protein context (NP_612373.2, residues 254-274): TETVDAGLFG[Glu264Asp]GIVESLIHAW